The following is an entry in ClinVar:

ClinVar aggregate classification (germline): Uncertain significance (1 of 4 stars; one submission).

Submission:

Labcorp Genetics (formerly Invitae), Labcorp
Classification: Uncertain significance. Last evaluated: 2022-05-05. Review status: criteria provided, single submitter. Criteria: Invitae Variant Classification Sherloc (09022015). Collection method: clinical testing. Allele origin: germline.
Comment: This variant has not been reported in the literature in individuals affected with POLR3F-related conditions. This variant is not present in population databases (gnomAD no frequency). This sequence change affects codon 137 of the POLR3F mRNA. It is a 'silent' change, meaning that it does not change the encoded amino acid sequence of the POLR3F protein. In summary, the available evidence is currently insufficient to determine the role of this variant in disease. Therefore, it has been classified as a Variant of Uncertain Significance.

NM_006466.4(POLR3F):c.534G>A (p.Glu178=)

Gene: POLR3F (RNA polymerase III subunit F; plus strand). Cytogenetic location: 20p11.23.
Variant type: single nucleotide variant.
Coding change: c.534G>A on transcript NM_006466.4 (MANE Select); coding-DNA position 534, G replaced by A.
Protein change: p.Glu178=; no amino-acid change (glutamic acid 178 retained).
Molecular consequence: synonymous variant. On other transcripts: non-coding transcript variant (1), intron variant (1).
Genome position (GRCh38, 1-based): chr20:18,480,142, G>A. VCF-style: chr20-18480142-G-A. GRCh37 (hg19) VCF-style: chr20-18460786-G-A.
Other names: c.411G>A, p.Glu137= (NM_001282526.2); c.430-260G>A (NM_001410821.1).
Identifiers: ClinVar variation 2134286 (VCV002134286.4), dbSNP rs2517425388, ClinGen allele CA509828219.